The following is an entry in ClinVar:

NM_012123.4(MTO1):c.961A>T (p.Lys321Ter)

Gene: MTO1 (mitochondrial tRNA translation optimization 1; plus strand). Cytogenetic location: 6q13.
Variant type: single nucleotide variant.
Coding change: c.961A>T on transcript NM_012123.4 (MANE Select); coding-DNA position 961, A replaced by T.
Protein change: p.Lys321Ter; replaces lysine 321 with a stop codon.
Molecular consequence: nonsense.
Genome position (GRCh38, 1-based): chr6:73,479,958, A>T. VCF-style: chr6-73479958-A-T. GRCh37 (hg19) VCF-style: chr6-74189681-A-T.
Other names: c.961A>T, p.Lys321Ter (NM_001123226.2, NM_133645.3); short protein forms K321*.
Identifiers: ClinVar variation 1404043 (VCV001404043.6), dbSNP rs148667065, ClinGen allele CA3889489.

ClinVar aggregate classification (germline): Pathogenic (1 of 4 stars; one submission).

Conditions:
Mitochondrial hypertrophic cardiomyopathy with lactic acidosis due to MTO1 deficiency. Also called: Combined oxidative phosphorylation deficiency 10; CARDIOMYOPATHY, INFANTILE HYPERTROPHIC MITOCHONDRIAL, AND LACTIC ACIDOSIS. Identifiers: Orphanet 314637, MedGen C4749921, MONDO:0013865, OMIM 614702.

gnomAD v4.1: 4 of 1,612,878 alleles (0.00025%); highest among the groups gnomAD compares: Admixed American, 0.0067%; no homozygotes.

Submission:

Labcorp Genetics (formerly Invitae), Labcorp
Classification: Pathogenic for Mitochondrial hypertrophic cardiomyopathy with lactic acidosis due to MTO1 deficiency. Last evaluated: 2025-08-12. Review status: criteria provided, single submitter. Criteria: Invitae Variant Classification Sherloc (09022015). Collection method: clinical testing. Allele origin: germline.
Comment: This sequence change creates a premature translational stop signal (p.Lys321*) in the MTO1 gene. It is expected to result in an absent or disrupted protein product. Loss-of-function variants in MTO1 are known to be pathogenic (PMID: 22608499, 25058219). This variant is present in population databases (rs148667065, gnomAD 0.009%). This variant has not been reported in the literature in individuals affected with MTO1-related conditions. ClinVar contains an entry for this variant (Variation ID: 1404043). For these reasons, this variant has been classified as Pathogenic.

Literature cited by the submitters: PubMed 22608499; PubMed 25058219.